The following is an entry in ClinVar:

ClinVar aggregate classification (germline): Pathogenic (1 of 4 stars; one submission).

Conditions:
Atypical hemolytic-uremic syndrome. Identifiers: Orphanet 2134, MedGen C2931788, MONDO:0016244.
Age related macular degeneration 4. Identifiers: MedGen C1853147, MONDO:0012540, OMIM 610698.

Submission:

Genomenon, Inc
Classification: Pathogenic for Atypical hemolytic-uremic syndrome; Age related macular degeneration 4. Last evaluated: 2025-10-02. Review status: criteria provided, single submitter. Criteria: Genomenon Sequence Variant Interpretation Standards - Updated. Collection method: curation. Allele origin: germline. Affected: yes.
Comment: CFH p.Ser714Ter (c.2141C>G) is a nonsense variant that introduces a premature stop codon at amino acid position 714, creating a truncated protein that is predicted to undergo nonsense-mediated mRNA decay. This variant has been observed in at least one proband affected with a CFH-related disorder (PMID:34508573;21906045;12960213). It is absent or not present at a significant frequency in gnomAD. In conclusion, we classify CFH p.Ser714Ter (c.2141C>G) as a pathogenic variant.

Literature cited by the submitters: PubMed 34508573; PubMed 21906045; PubMed 12960213.

NM_000186.4(CFH):c.2141C>G (p.Ser714Ter)

Gene: CFH (complement factor H; plus strand). Cytogenetic location: 1q31.3.
Variant type: single nucleotide variant.
Coding change: c.2141C>G on transcript NM_000186.4 (MANE Select); coding-DNA position 2141, C replaced by G.
Protein change: p.Ser714Ter; replaces serine 714 with a stop codon.
Molecular consequence: nonsense.
Genome position (GRCh38, 1-based): chr1:196,726,845, C>G. VCF-style: chr1-196726845-C-G. GRCh37 (hg19) VCF-style: chr1-196695975-C-G.
Other names: short protein forms S714*.
Identifiers: ClinVar variation 4291450 (VCV004291450.1).
Genomic context (GRCh38, chr1:196,726,845, plus strand): 5'-TACCTGAACTTGAACATGGCTGGGCCCAGCTTTCTTCCCCTCCTTATTACTATGGAGATT[C>G]AGTGGAATTCAATTGCTCAGAATCATTTACAATGATTGGACACAGATCAATTACGTGTAT-3'